The following is an entry in ClinVar:

NM_003242.6(TGFBR2):c.1396+6T>A

Gene: TGFBR2 (transforming growth factor beta receptor 2; plus strand). Cytogenetic location: 3p24.1.
Variant type: single nucleotide variant.
Coding change: c.1396+6T>A on transcript NM_003242.6 (MANE Select); 6 bases into the intron after coding-DNA position 1396, T replaced by A.
Molecular consequence: intron variant.
Genome position (GRCh38, 1-based): chr3:30,674,252, T>A. VCF-style: chr3-30674252-T-A. GRCh37 (hg19) VCF-style: chr3-30715744-T-A.
Other names: c.1399+6T>A (NM_001407129.1); c.1291+6T>A (NM_001407132.1, NM_001407136.1, NM_001407133.1 and 2 more transcripts); c.1579+6T>A (NM_001407126.1); c.1471+6T>A (NM_001024847.3); c.530-14135T>A (NM_001407139.1); c.1111+6T>A (NM_001407137.1); c.1504+6T>A (NM_001407127.1); c.1396+6T>A (NM_001407130.1); and 2 more.
Identifiers: ClinVar variation 915709 (VCV000915709.9), dbSNP rs1559467901, ClinGen allele CA1139656097.

ClinVar aggregate classification (germline): Uncertain significance. Review status: criteria provided, multiple submitters, no conflicts (2 of 4 stars). 2 submissions from 2 submitters: Uncertain significance (2). Last evaluated 2019-11-11.

Conditions:
Familial thoracic aortic aneurysm and aortic dissection (TAAD). Also called: Thoracic aortic aneurysms and dissections. Identifiers: Orphanet 91387, MedGen C4707243, MONDO:0019625.

Submissions (2):

Labcorp Genetics (formerly Invitae), Labcorp
Classification: Uncertain significance for Familial thoracic aortic aneurysm and aortic dissection. Last evaluated: 2019-11-11. Review status: criteria provided, single submitter. Criteria: Invitae Variant Classification Sherloc (09022015). Collection method: clinical testing. Allele origin: germline.
Comment: In summary, the available evidence is currently insufficient to determine the role of this variant in disease. Therefore, it has been classified as a Variant of Uncertain Significance. Nucleotide substitutions within the consensus splice site are a relatively common cause of aberrant splicing (PMID: 17576681, 9536098). Algorithms developed to predict the effect of sequence changes on RNA splicing suggest that this variant is not likely to affect RNA splicing, but this prediction has not been confirmed by published transcriptional studies. This variant has not been reported in the literature in individuals with TGFBR2-related conditions. This variant is not present in population databases (ExAC no frequency). This sequence change falls in intron 5 of the TGFBR2 gene. It does not directly change the encoded amino acid sequence of the TGFBR2 protein, but it affects a nucleotide within the consensus splice site of the intron.

CHEO Genetics Diagnostic Laboratory, Children's Hospital of Eastern Ontario
Classification: Uncertain significance for Familial thoracic aortic aneurysm and aortic dissection. Last evaluated: 2019-01-10. Review status: criteria provided, single submitter. Criteria: ACMG Guidelines, 2015. Collection method: clinical testing. Allele origin: germline.

Literature cited by the submitters: PubMed 17576681 (cited by Labcorp Genetics (formerly Invitae), Labcorp); PubMed 9536098 (cited by Labcorp Genetics (formerly Invitae), Labcorp).